The following is an entry in ClinVar:

NM_024702.3(ZNF750):c.525C>T (p.Asn175=)

Genes: TBCD (tubulin folding cofactor D), ZNF750 (zinc finger protein 750; minus strand). Cytogenetic location: 17q25.3.
Variant type: single nucleotide variant.
Coding change: c.525C>T on transcript NM_024702.3 (MANE Select); coding-DNA position 525, C replaced by T.
Protein change: p.Asn175=; no amino-acid change (asparagine 175 retained).
Molecular consequence: synonymous variant. On other transcripts: intron variant (3).
Genome position (GRCh38, 1-based): chr17:82,831,930, G>A on the plus strand (C>T on the coding strand, the complement: ZNF750 is on the minus strand). VCF-style: chr17-82831930-G-A. GRCh37 (hg19) VCF-style: chr17-80789806-G-A.
Other names: c.1318+16996G>A (NM_005993.5, NM_001411102.1); c.1267+16996G>A (NM_001411101.1).
Identifiers: ClinVar variation 3059214 (VCV003059214.2), dbSNP rs147504960, ClinGen allele CA8862403.

ClinVar aggregate classification (germline): Benign (0 of 4 stars; one submission).

Conditions:
ZNF750-related disorder. Also called: ZNF750-related condition.

Allele frequency attached by ClinVar (database versions not stated): ESP Exome Variant Server 0.00038; gnomAD exomes 0.00567; gnomAD 0.01072; ExAC 0.01854; TOPMed 0.01965; 1000 Genomes Project 0.02216; 1000 Genomes Project 30x 0.02436.
gnomAD v4.1: 9,874 of 1,614,188 alleles (0.61%); highest among the groups gnomAD compares: Admixed American, 15%; 879 homozygotes.

Submission:

PreventionGenetics, part of Exact Sciences
Classification: Benign for ZNF750-related condition. Last evaluated: 2019-02-20. Review status: no assertion criteria provided. Collection method: clinical testing. Allele origin: germline.
Comment: This variant is classified as benign based on ACMG/AMP sequence variant interpretation guidelines (Richards et al. 2015 PMID: 25741868, with internal and published modifications).